The following is an entry in ClinVar:

ClinVar aggregate classification (germline): Benign. Review status: criteria provided, multiple submitters, no conflicts (2 of 4 stars). 2 submissions from 2 submitters: Benign (2). Last evaluated 2018-06-18.

Allele frequency attached by ClinVar (database versions not stated): ESP Exome Variant Server 0.97391; TOPMed 0.97468; 1000 Genomes Project 30x 0.97470; gnomAD 0.97563 and 0.97733; 1000 Genomes Project 0.97624; gnomAD exomes 0.99780.
gnomAD v4.1: 1,195,448 of 1,201,312 alleles (100%); highest among the groups gnomAD compares: East Asian, 100%; 595,012 homozygotes.

Submissions (2):

GeneDx
Classification: Benign. Last evaluated: 2018-06-18. Review status: criteria provided, single submitter. Criteria: GeneDx Variant Classification (06012015). Collection method: clinical testing. Allele origin: germline. Affected: yes.
Comment: This variant is considered likely benign or benign based on one or more of the following criteria: it is a conservative change, it occurs at a poorly conserved position in the protein, it is predicted to be benign by multiple in silico algorithms, and/or has population frequency not consistent with disease.

Breakthrough Genomics
Classification: Benign. Review status: criteria provided, single submitter. Criteria: ACMG Guidelines, 2015. Collection method: not provided. Allele origin: germline. Inheritance: Unknown mechanism. Affected: yes.

NM_002907.4(RECQL):c.868-61A>G

Gene: RECQL (RecQ like helicase; minus strand). Cytogenetic location: 12p12.1.
Variant type: single nucleotide variant.
Coding change: c.868-61A>G on transcript NM_002907.4 (MANE Select); 61 bases into the intron before coding-DNA position 868, A replaced by G.
Molecular consequence: intron variant.
Genome position (GRCh38, 1-based): chr12:21,477,053, T>C on the plus strand (A>G on the coding strand, the complement: RECQL is on the minus strand). VCF-style: chr12-21477053-T-C. GRCh37 (hg19) VCF-style: chr12-21629987-T-C.
Other names: c.868-61A>G (NM_032941.3).
Identifiers: ClinVar variation 679683 (VCV000679683.2), dbSNP rs917854, ClinGen allele CA233570572.